The following is an entry in ClinVar:

NM_004304.5(ALK):c.3920C>G (p.Thr1307Ser)

Gene: ALK (ALK receptor tyrosine kinase; minus strand). Cytogenetic location: 2p23.2.
Variant type: single nucleotide variant.
Coding change: c.3920C>G on transcript NM_004304.5 (MANE Select); coding-DNA position 3920, C replaced by G.
Protein change: p.Thr1307Ser; replaces threonine 1307 with serine.
Molecular consequence: missense variant.
Genome position (GRCh38, 1-based): chr2:29,207,189, G>C on the plus strand (C>G on the coding strand, the complement: ALK is on the minus strand). VCF-style: chr2-29207189-G-C. GRCh37 (hg19) VCF-style: chr2-29430055-G-C.
Other names: c.716C>G, p.Thr239Ser (NM_001353765.2); short protein forms T239S, T1307S.
Identifiers: ClinVar variation 3641035 (VCV003641035.2).

ClinVar aggregate classification (germline): Uncertain significance (1 of 4 stars; one submission).

Conditions:
Neuroblastoma, susceptibility to, 3. Also called: ALK-Related Neuroblastic Tumor Susceptibility. Identifiers: Orphanet 635, MedGen C2751681, MONDO:0013083, OMIM 613014.

Submission:

Labcorp Genetics (formerly Invitae), Labcorp
Classification: Uncertain significance for Neuroblastoma, susceptibility to, 3. Last evaluated: 2024-02-15. Review status: criteria provided, single submitter. Criteria: Invitae Variant Classification Sherloc (09022015). Collection method: clinical testing. Allele origin: germline.
Comment: This sequence change replaces threonine, which is neutral and polar, with serine, which is neutral and polar, at codon 1307 of the ALK protein (p.Thr1307Ser). This variant is not present in population databases (gnomAD no frequency). This variant has not been reported in the literature in individuals affected with ALK-related conditions. An algorithm developed to predict the effect of missense changes on protein structure and function (PolyPhen-2) suggests that this variant is likely to be disruptive. In summary, the available evidence is currently insufficient to determine the role of this variant in disease. Therefore, it has been classified as a Variant of Uncertain Significance.